The following is an entry in ClinVar:

NM_004360.5(CDH1):c.1342C>G (p.Gln448Glu)

Gene: CDH1 (cadherin 1; plus strand). Cytogenetic location: 16q22.1.
Variant type: single nucleotide variant.
Coding change: c.1342C>G on transcript NM_004360.5 (MANE Select); coding-DNA position 1342, C replaced by G.
Protein change: p.Gln448Glu; replaces glutamine 448 with glutamic acid.
Molecular consequence: missense variant. On other transcripts: 5 prime UTR variant (2).
Genome position (GRCh38, 1-based): chr16:68,815,536, C>G. VCF-style: chr16-68815536-C-G. GRCh37 (hg19) VCF-style: chr16-68849439-C-G.
Other names: c.1342C>G (LRG_301t1); c.1159C>G, p.Gln387Glu (NM_001317184.2); c.-207C>G (NM_001317185.2); c.-478C>G (NM_001317186.2); short protein forms Q448E, Q387E.
Identifiers: ClinVar variation 532450 (VCV000532450.16), dbSNP rs1421067964, ClinGen allele CA396462715.

ClinVar aggregate classification (germline): Conflicting classifications of pathogenicity. Review status: criteria provided, conflicting classifications (1 of 4 stars). 5 submissions from 5 submitters: Uncertain significance (4); Likely benign (1). Last evaluated 2026-06-12.

Conditions:
CDH1-related diffuse gastric and lobular breast cancer syndrome. Also called: CDH1-related diffuse gastric and lobular breast cancer. Identifiers: MedGen CN311521, MONDO:0100488.
Hereditary cancer-predisposing syndrome. Also called: Tumor predisposition; Hereditary neoplastic syndrome; Neoplastic Syndromes, Hereditary; Hereditary Cancer Syndrome. Identifiers: Orphanet 140162, MedGen C0027672, MeSH D009386, MONDO:0015356.
Familial cancer of breast. Also called: hereditary breast carcinoma; Hereditary breast cancer; BREAST CANCER, FAMILIAL. Identifiers: Orphanet 227535, MedGen C0346153, MONDO:0016419, OMIM 114480. Disease mechanism: loss of function.
Hereditary diffuse gastric adenocarcinoma (HDGC). Also called: DIFFUSE GASTRIC AND LOBULAR BREAST CANCER SYNDROME. Identifiers: Orphanet 26106, MedGen C1708349, MONDO:0007648, OMIM 137215.

Allele frequency attached by ClinVar (database versions not stated): gnomAD 0.00002; gnomAD exomes below 0.00001; TOPMed 0.00001.
gnomAD v4.1: 4 of 1,614,102 alleles (0.00025%); highest among the groups gnomAD compares: African/African-American, 0.004%; no homozygotes.

Submissions (5):

Ambry Genetics
Classification: Likely benign for Hereditary cancer-predisposing syndrome. Last evaluated: 2026-06-12. Review status: criteria provided, single submitter. Criteria: Ambry Variant Classification Scheme 2023. Collection method: clinical testing. Allele origin: germline.

Labcorp Genetics (formerly Invitae), Labcorp
Classification: Uncertain significance for Hereditary diffuse gastric adenocarcinoma. Last evaluated: 2025-12-15. Review status: criteria provided, single submitter. Criteria: Invitae Variant Classification Sherloc (09022015). Collection method: clinical testing. Allele origin: germline.
Comment: This sequence change replaces glutamine, which is neutral and polar, with glutamic acid, which is acidic and polar, at codon 448 of the CDH1 protein (p.Gln448Glu). This variant is present in population databases (no rsID available, gnomAD 0.008%). This variant has not been reported in the literature in individuals affected with CDH1-related conditions. ClinVar contains an entry for this variant (Variation ID: 532450). An algorithm developed to predict the effect of missense changes on protein structure and function (PolyPhen-2) suggests that this variant is likely to be tolerated. In summary, the available evidence is currently insufficient to determine the role of this variant in disease. Therefore, it has been classified as a Variant of Uncertain Significance.

Baylor Genetics
Classification: Uncertain significance for Familial cancer of breast. Last evaluated: 2023-11-16. Review status: criteria provided, single submitter. Criteria: ACMG Guidelines, 2015. Collection method: clinical testing. Allele origin: unknown.

GeneDx
Classification: Uncertain significance. Last evaluated: 2022-12-13. Review status: criteria provided, single submitter. Criteria: GeneDx Variant Classification Process June 2021. Collection method: clinical testing. Allele origin: germline. Affected: yes.
Comment: Not observed at significant frequency in large population cohorts (gnomAD); In silico analysis supports that this missense variant does not alter protein structure/function; Has not been previously published as pathogenic or benign to our knowledge; This variant is associated with the following publications: (PMID: 15235021, 22850631)

Department of Pathology and Laboratory Medicine, Sinai Health System
Classification: Uncertain significance for CDH1-related diffuse gastric and lobular breast cancer syndrome. Last evaluated: 2021-08-05. Review status: criteria provided, single submitter. Criteria: ACMG Guidelines, 2015. Collection method: clinical testing. Allele origin: germline. Affected: no.